The following is an entry in ClinVar:

ClinVar aggregate classification (germline): Conflicting classifications of pathogenicity. Review status: criteria provided, conflicting classifications (1 of 4 stars). 10 submissions from 9 submitters: Uncertain significance (7); Likely benign (1). 2 of the submissions do not count toward it. Last evaluated 2026-01-25.

Conditions:
Hereditary cancer-predisposing syndrome. Also called: Tumor predisposition; Hereditary Cancer Syndrome; Neoplastic Syndromes, Hereditary; Hereditary neoplastic syndrome. Identifiers: Orphanet 140162, MedGen C0027672, MeSH D009386, MONDO:0015356.
Familial cancer of breast. Also called: Hereditary breast cancer; BREAST CANCER, FAMILIAL; hereditary breast carcinoma. Identifiers: Orphanet 227535, MedGen C0346153, MONDO:0016419, OMIM 114480. Disease mechanism: loss of function.
Fanconi anemia complementation group J. Also called: BRIP1-Related Fanconi Anemia. Identifiers: Orphanet 84, MedGen C1836860, MONDO:0012187, OMIM 609054.
Ovarian cancer. Also called: OVARIAN CANCER, SOMATIC. Identifiers: Orphanet 213500, MedGen C1140680, MONDO:0008170, OMIM 167000.

Allele frequency attached by ClinVar (database versions not stated): gnomAD 0.00001; gnomAD exomes 0.00001; TOPMed 0.00002.
gnomAD v4.1: 15 of 1,613,804 alleles (0.00093%); highest among the groups gnomAD compares: Non-Finnish European, 0.001%; no homozygotes.

Submissions (10):

Labcorp Genetics (formerly Invitae), Labcorp
Classification: Uncertain significance for Familial cancer of breast; Fanconi anemia complementation group J. Last evaluated: 2026-01-25. Review status: criteria provided, single submitter. Criteria: Invitae Variant Classification Sherloc (09022015). Collection method: clinical testing. Allele origin: germline.
Comment: This sequence change replaces phenylalanine, which is neutral and non-polar, with valine, which is neutral and non-polar, at codon 934 of the BRIP1 protein (p.Phe934Val). This variant is not present in population databases (gnomAD no frequency). This variant has not been reported in the literature in individuals affected with BRIP1-related conditions. ClinVar contains an entry for this variant (Variation ID: 216793). Invitae Evidence Modeling of protein sequence and biophysical properties (such as structural, functional, and spatial information, amino acid conservation, physicochemical variation, residue mobility, and thermodynamic stability) indicates that this missense variant is not expected to disrupt BRIP1 protein function with a negative predictive value of 95%. In summary, the available evidence is currently insufficient to determine the role of this variant in disease. Therefore, it has been classified as a Variant of Uncertain Significance.

Women's Health and Genetics/Laboratory Corporation of America, LabCorp
Classification: Uncertain significance. Last evaluated: 2025-03-03. Review status: criteria provided, single submitter. Criteria: LabCorp Variant Classification Summary - May 2015. Collection method: clinical testing. Allele origin: germline.
Comment: Variant summary: BRIP1 c.2800T>G (p.Phe934Val) results in a non-conservative amino acid change in the encoded protein sequence. Four of five in-silico tools predict a benign effect of the variant on protein function. The variant was absent in 251368 control chromosomes. The available data on variant occurrences in the general population are insufficient to allow any conclusion about variant significance. To our knowledge, no occurrence of c.2800T>G in individuals affected with Hereditary Breast And Ovarian Cancer Syndrome and no experimental evidence demonstrating its impact on protein function have been reported. ClinVar contains an entry for this variant (Variation ID: 216793). Based on the evidence outlined above, the variant was classified as uncertain significance.

GeneDx
Classification: Uncertain significance. Last evaluated: 2024-06-13. Review status: criteria provided, single submitter. Criteria: GeneDx Variant Classification Process June 2021. Collection method: clinical testing. Allele origin: germline. Affected: yes.
Comment: Not observed at significant frequency in large population cohorts (gnomAD); In silico analysis indicates that this missense variant does not alter protein structure/function; Has not been previously published as pathogenic or benign to our knowledge; This variant is associated with the following publications: (PMID: 11301010)

Fulgent Genetics
Classification: Uncertain significance for Familial cancer of breast; Fanconi anemia complementation group J. Last evaluated: 2024-02-28. Review status: criteria provided, single submitter. Criteria: ACMG Guidelines, 2015. Collection method: clinical testing. Allele origin: germline.

Ambry Genetics
Classification: Likely benign for Hereditary cancer-predisposing syndrome. Last evaluated: 2023-11-16. Review status: criteria provided, single submitter. Criteria: Ambry Variant Classification Scheme 2023. Collection method: clinical testing. Allele origin: germline.

Baylor Genetics
Classification: Uncertain significance for Familial cancer of breast. Last evaluated: 2023-10-06. Review status: criteria provided, single submitter. Criteria: ACMG Guidelines, 2015. Collection method: clinical testing. Allele origin: unknown.

Myriad Genetics, Inc.
Classification: Uncertain significance for Familial cancer of breast. Last evaluated: 2023-02-28. Review status: criteria provided, single submitter. Criteria: Myriad Autosomal Dominant, Autosomal Recessive and X-Linked Classification Criteria (2023). Collection method: clinical testing. Allele origin: unknown.
Comment: This variant is classified as a variant of uncertain significance as there is insufficient evidence to determine its impact on protein function and/or cancer risk.

Color Diagnostics, LLC DBA Color Health
Classification: Uncertain significance for Hereditary cancer-predisposing syndrome. Last evaluated: 2019-08-15. Review status: criteria provided, single submitter. Criteria: ACMG Guidelines, 2015. Collection method: clinical testing. Allele origin: germline.
Comment: This missense variant replaces phenylalanine with valine at codon 934 of the BRIP1 protein. Computational prediction tools and conservation analyses suggest that this variant may not impact the protein function. Computational splicing tools suggest that this variant may not impact RNA splicing. To our knowledge, functional assays have not been performed for this variant nor has this variant been reported in individuals affected with hereditary cancer in the literature. This variant has been identified in 1/31392 chromosomes in the general population by the Genome Aggregation Database (gnomAD). Available evidence is insufficient to determine the role of this variant in disease conclusively. Therefore, this variant is classified as a Variant of Uncertain Significance.

Counsyl
Classification: Uncertain significance for Fanconi anemia complementation group J. Last evaluated: 2016-11-09. Review status: no assertion criteria provided. Collection method: clinical testing. Allele origin: unknown. Not counted in ClinVar's aggregate classification.

Counsyl
Classification: Uncertain significance for Ovarian cancer. Last evaluated: 2016-11-09. Review status: no assertion criteria provided. Collection method: clinical testing. Allele origin: unknown. Not counted in ClinVar's aggregate classification.

Literature cited by the submitters: PubMed 33471991 (cited by Ambry Genetics).

NM_032043.3(BRIP1):c.2800T>G (p.Phe934Val)

Gene: BRIP1 (BRCA1 interacting DNA helicase 1; minus strand). Cytogenetic location: 17q23.2.
Variant type: single nucleotide variant.
Coding change: c.2800T>G on transcript NM_032043.3 (MANE Select); coding-DNA position 2800, T replaced by G.
Protein change: p.Phe934Val; replaces phenylalanine 934 with valine.
Molecular consequence: missense variant.
Genome position (GRCh38, 1-based): chr17:61,685,941, A>C on the plus strand (T>G on the coding strand, the complement: BRIP1 is on the minus strand). VCF-style: chr17-61685941-A-C. GRCh37 (hg19) VCF-style: chr17-59763302-A-C.
Other names: short protein forms F934V.
Identifiers: ClinVar variation 216793 (VCV000216793.22), dbSNP rs863224801, ClinGen allele CA339524.